The following is an entry in ClinVar:

ClinVar aggregate classification (germline): Uncertain significance (1 of 4 stars; one submission).

Conditions:
Familial thoracic aortic aneurysm and aortic dissection (TAAD). Also called: Thoracic aortic aneurysms and dissections. Identifiers: Orphanet 91387, MedGen C4707243, MONDO:0019625.

Submission:

Color Diagnostics, LLC DBA Color Health
Classification: Uncertain significance for Familial thoracic aortic aneurysm and aortic dissection. Last evaluated: 2025-09-22. Review status: criteria provided, single submitter. Criteria: ACMG Guidelines, 2015. Collection method: clinical testing. Allele origin: germline.
Comment: This missense variant replaces valine with phenylalanine at codon 259 of the MYH11 protein. Computational prediction is inconclusive regarding the impact of this variant on protein structure and function. To our knowledge, functional studies have not been reported for this variant. This variant has not been reported in individuals affected with MYH11-related disorders in the literature. This variant has not been identified in the general population by the Genome Aggregation Database (gnomAD). The available evidence is insufficient to determine the role of this variant in disease conclusively. Therefore, this variant is classified as a Variant of Uncertain Significance.

NM_002474.3(MYH11):c.754G>T (p.Val252Phe)

Gene: MYH11 (myosin heavy chain 11; minus strand). Cytogenetic location: 16p13.11.
Variant type: single nucleotide variant.
Coding change: c.754G>T on transcript NM_002474.3 (MANE Select); coding-DNA position 754, G replaced by T.
Protein change: p.Val252Phe; replaces valine 252 with phenylalanine.
Molecular consequence: missense variant.
Genome position (GRCh38, 1-based): chr16:15,778,816, C>A on the plus strand (G>T on the coding strand, the complement: MYH11 is on the minus strand). VCF-style: chr16-15778816-C-A. GRCh37 (hg19) VCF-style: chr16-15872673-C-A.
Other names: c.775G>T, p.Val259Phe (NM_001040113.2, NM_001040114.2); c.754G>T, p.Val252Phe (NM_022844.3); short protein forms V252F, V259F.
Identifiers: ClinVar variation 4756426 (VCV004756426.1).